The following is an entry in ClinVar:

NM_004380.3(CREBBP):c.4349A>T (p.Tyr1450Phe)

Gene: CREBBP (CREB binding lysine acetyltransferase; minus strand). Cytogenetic location: 16p13.3.
Variant type: single nucleotide variant.
Coding change: c.4349A>T on transcript NM_004380.3 (MANE Select); coding-DNA position 4349, A replaced by T.
Protein change: p.Tyr1450Phe; replaces tyrosine 1450 with phenylalanine.
Molecular consequence: missense variant.
Genome position (GRCh38, 1-based): chr16:3,738,604, T>A on the plus strand (A>T on the coding strand, the complement: CREBBP is on the minus strand). VCF-style: chr16-3738604-T-A. GRCh37 (hg19) VCF-style: chr16-3788605-T-A.
Other names: c.4235A>T, p.Tyr1412Phe (NM_001079846.1); short protein forms Y1412F, Y1450F.
Identifiers: ClinVar variation 4976476 (VCV004976476.1).

ClinVar aggregate classification (germline): Uncertain significance (1 of 4 stars; one submission).

Submission:

GeneDx
Classification: Uncertain significance. Last evaluated: 2026-02-23. Review status: criteria provided, single submitter. Criteria: GeneDx Variant Classification Process June 2021. Collection method: clinical testing. Allele origin: germline.
Comment: Not observed at significant frequency in large population cohorts (gnomAD); In silico analysis supports that this missense variant has a deleterious effect on protein structure/function; Has not been previously published as pathogenic or benign to our knowledge; This variant is associated with the following publications: (PMID: 12070251)